The following is an entry in ClinVar:

ClinVar aggregate classification (germline): Uncertain significance (1 of 4 stars; one submission).

Conditions:
Hereditary cancer-predisposing syndrome. Also called: Tumor predisposition; Neoplastic Syndromes, Hereditary; Hereditary Cancer Syndrome; Hereditary neoplastic syndrome. Identifiers: Orphanet 140162, MedGen C0027672, MeSH D009386, MONDO:0015356.

Submission:

Ambry Genetics
Classification: Uncertain significance for Hereditary cancer-predisposing syndrome. Last evaluated: 2024-09-05. Review status: criteria provided, single submitter. Criteria: Ambry Variant Classification Scheme 2023. Collection method: clinical testing. Allele origin: germline.
Comment: The p.D478E variant (also known as c.1434C>A), located in coding exon 13 of the FANCC gene, results from a C to A substitution at nucleotide position 1434. The aspartic acid at codon 478 is replaced by glutamic acid, an amino acid with highly similar properties. This amino acid position is conserved. In addition, this alteration is predicted to be tolerated by in silico analysis. Based on the available evidence, the clinical significance of this variant remains unclear.

NM_000136.3(FANCC):c.1434C>A (p.Asp478Glu)

Genes: FANCC (FA complementation group C; minus strand), AOPEP (aminopeptidase O (putative); plus strand). Cytogenetic location: 9q22.32.
Variant type: single nucleotide variant.
Coding change: c.1434C>A on transcript NM_000136.3 (MANE Select); coding-DNA position 1434, C replaced by A.
Protein change: p.Asp478Glu; replaces aspartic acid 478 with glutamic acid.
Molecular consequence: missense variant.
Genome position (GRCh38, 1-based): chr9:95,107,165, G>T on the plus strand (C>A on the coding strand, the complement: FANCC is on the minus strand). VCF-style: chr9-95107165-G-T. GRCh37 (hg19) VCF-style: chr9-97869447-G-T.
Other names: c.1434C>A, p.Asp478Glu (NM_001243743.2); short protein forms D478E.
Identifiers: ClinVar variation 3512779 (VCV003512779.1).